The following is an entry in ClinVar:

NM_001005361.3(DNM2):c.2372C>A (p.Pro791His)

Gene: DNM2 (dynamin 2; plus strand). Cytogenetic location: 19p13.2.
Variant type: single nucleotide variant.
Coding change: c.2372C>A on transcript NM_001005361.3 (MANE Select); coding-DNA position 2372, C replaced by A.
Protein change: p.Pro791His; replaces proline 791 with histidine.
Molecular consequence: missense variant.
Genome position (GRCh38, 1-based): chr19:10,830,207, C>A. VCF-style: chr19-10830207-C-A. GRCh37 (hg19) VCF-style: chr19-10940883-C-A.
Other names: c.2372C>A, p.Pro791His (NM_001005360.3, NM_001190716.2); c.2360C>A, p.Pro787His (NM_001005362.3, NM_004945.4); short protein forms P787H, P791H.
Identifiers: ClinVar variation 663051 (VCV000663051.10), dbSNP rs780738840, ClinGen allele CA9201605.

ClinVar aggregate classification (germline): Uncertain significance (1 of 4 stars; one submission).

Conditions:
Charcot-Marie-Tooth disease dominant intermediate B (CMTDIB). Also called: CHARCOT-MARIE-TOOTH NEUROPATHY, DOMINANT INTERMEDIATE B; Charcot-Marie-Tooth disease dominant intermediate 1; CMT DI1; Charcot-Marie-Tooth disease dominant intermediate I. Identifiers: Orphanet 100044, Orphanet 228179, MedGen C1847902, MONDO:0011674, OMIM 606482.

gnomAD v4.1: 6 of 1,613,860 alleles (0.00037%); highest among the groups gnomAD compares: Non-Finnish European, 0.00051%; no homozygotes.

Submission:

Labcorp Genetics (formerly Invitae), Labcorp
Classification: Uncertain significance for Charcot-Marie-Tooth disease dominant intermediate B. Last evaluated: 2025-07-22. Review status: criteria provided, single submitter. Criteria: Invitae Variant Classification Sherloc (09022015). Collection method: clinical testing. Allele origin: germline.
Comment: This sequence change replaces proline, which is neutral and non-polar, with histidine, which is basic and polar, at codon 791 of the DNM2 protein (p.Pro791His). This variant is present in population databases (rs780738840, gnomAD 0.002%). This variant has not been reported in the literature in individuals affected with DNM2-related conditions. ClinVar contains an entry for this variant (Variation ID: 663051). Invitae Evidence Modeling of protein sequence and biophysical properties (such as structural, functional, and spatial information, amino acid conservation, physicochemical variation, residue mobility, and thermodynamic stability) indicates that this missense variant is not expected to disrupt DNM2 protein function with a negative predictive value of 95%. In summary, the available evidence is currently insufficient to determine the role of this variant in disease. Therefore, it has been classified as a Variant of Uncertain Significance.